The following is an entry in ClinVar:

ClinVar aggregate classification (germline): Pathogenic (1 of 4 stars; one submission).

Conditions:
Glanzmann thrombasthenia. Also called: BLEEDING DISORDER, PLATELET-TYPE, 2; THROMBASTHENIA OF GLANZMANN AND NAEGELI; Thrombasthenia; PLATELET GLYCOPROTEIN IIb-IIIa DEFICIENCY; Glanzmann's thrombasthenia. Identifiers: Orphanet 849, MedGen C0040015, MONDO:0100326.

Submission:

Labcorp Genetics (formerly Invitae), Labcorp
Classification: Pathogenic for Glanzmann thrombasthenia. Last evaluated: 2023-09-03. Review status: criteria provided, single submitter. Criteria: Invitae Variant Classification Sherloc (09022015). Collection method: clinical testing. Allele origin: germline.
Comment: This sequence change creates a premature translational stop signal (p.Tyr463*) in the ITGA2B gene. It is expected to result in an absent or disrupted protein product. Loss-of-function variants in ITGA2B are known to be pathogenic (PMID: 21917754). This variant is not present in population databases (gnomAD no frequency). This variant has not been reported in the literature in individuals affected with ITGA2B-related conditions. For these reasons, this variant has been classified as Pathogenic.

Literature cited by the submitters: PubMed 21917754.

NM_000419.5(ITGA2B):c.1389C>G (p.Tyr463Ter)

Gene: ITGA2B (integrin subunit alpha 2b; minus strand). Cytogenetic location: 17q21.31.
Variant type: single nucleotide variant.
Coding change: c.1389C>G on transcript NM_000419.5 (MANE Select); coding-DNA position 1389, C replaced by G.
Protein change: p.Tyr463Ter; replaces tyrosine 463 with a stop codon.
Molecular consequence: nonsense.
Genome position (GRCh38, 1-based): chr17:44,380,883, G>C on the plus strand (C>G on the coding strand, the complement: ITGA2B is on the minus strand). VCF-style: chr17-44380883-G-C. GRCh37 (hg19) VCF-style: chr17-42458251-G-C.
Other names: short protein forms Y463*.
Identifiers: ClinVar variation 2814017 (VCV002814017.3), dbSNP rs148618973, ClinGen allele CA399803464.
Genomic context (GRCh38, chr17:44,380,883, plus strand): 5'-AGCGAATGTCCAAGGGCCTTTCTTGGGCATTTCTAGCTGGAGGCAGTCCAGGGCACCTGG[G>C]TATCCGTTGTCATCGATGTCTACGGCACCTCGAAGGGAGAAGCCAAAGGCAGAGCCTGTG-3'